The following is an entry in ClinVar:

ClinVar aggregate classification (germline): Likely benign. Review status: criteria provided, multiple submitters, no conflicts (2 of 4 stars). 2 submissions from 2 submitters: Likely benign (2). Last evaluated 2024-10-15.

Allele frequency attached by ClinVar (database versions not stated): gnomAD 0.00001; TOPMed 0.00001; ExAC 0.00007.
gnomAD v4.1: 32 of 1,614,002 alleles (0.002%); highest among the groups gnomAD compares: South Asian, 0.025%; 1 homozygote.

Submissions (2):

Labcorp Genetics (formerly Invitae), Labcorp
Classification: Likely benign. Last evaluated: 2024-10-15. Review status: criteria provided, single submitter. Criteria: Invitae Variant Classification Sherloc (09022015). Collection method: clinical testing. Allele origin: germline.

CeGaT Center for Human Genetics Tuebingen
Classification: Likely benign. Last evaluated: 2023-08-01. Review status: criteria provided, single submitter. Criteria: CeGaT Center For Human Genetics Tuebingen Variant Classification Criteria Version 2. Collection method: clinical testing. Allele origin: germline. Affected: yes. Observed: 1 variant allele.
Comment: ANK3: BP4, BP7

NM_020987.5(ANK3):c.10749G>A (p.Thr3583=)

Gene: ANK3 (ankyrin 3; minus strand). Cytogenetic location: 10q21.2.
Variant type: single nucleotide variant.
Coding change: c.10749G>A on transcript NM_020987.5 (MANE Select); coding-DNA position 10749, G replaced by A.
Protein change: p.Thr3583=; no amino-acid change (threonine 3583 retained).
Molecular consequence: synonymous variant. On other transcripts: intron variant (4).
Genome position (GRCh38, 1-based): chr10:60,070,132, C>T on the plus strand (G>A on the coding strand, the complement: ANK3 is on the minus strand). VCF-style: chr10-60070132-C-T. GRCh37 (hg19) VCF-style: chr10-61829890-C-T.
Other names: c.4388-2123G>A (NM_001204403.2); c.4409-2123G>A (NM_001204404.2); c.4406-2123G>A (NM_001320874.2); c.1808-2123G>A (NM_001149.4).
Identifiers: ClinVar variation 1618041 (VCV001618041.32), dbSNP rs985040592, ClinGen allele CA5511199.